The following is an entry in ClinVar:

NM_001142285.2(RPS24):c.734C>T (p.Pro245Leu)

Gene: RPS24 (ribosomal protein S24; plus strand). Cytogenetic location: 10q22.3.
Variant type: single nucleotide variant.
Coding change: c.734C>T on transcript NM_001142285.2; coding-DNA position 734, C replaced by T.
Protein change: p.Pro245Leu; replaces proline 245 with leucine.
Molecular consequence: missense variant.
Genome position (GRCh38, 1-based): chr10:78,054,874, C>T. VCF-style: chr10-78054874-C-T. GRCh37 (hg19) VCF-style: chr10-79814632-C-T.
Other names: short protein forms P245L.
Identifiers: ClinVar variation 2635748 (VCV002635748.1), dbSNP rs199636761, ClinGen allele CA377339169.

ClinVar aggregate classification (germline): Uncertain significance (1 of 4 stars; one submission).

Conditions:
RPS24-related disorder. Also called: RPS24-related condition.

Allele frequency attached by ClinVar (database versions not stated): gnomAD exomes below 0.00001.
gnomAD v4.1: 2 of 1,547,854 alleles (0.00013%); highest among the groups gnomAD compares: Non-Finnish European, 0.00017%; no homozygotes.

Submission:

PreventionGenetics, part of Exact Sciences
Classification: Uncertain significance for RPS24-related condition. Last evaluated: 2023-09-13. Review status: criteria provided, single submitter. Criteria: ACMG Guidelines, 2015. Collection method: clinical testing. Allele origin: germline.
Comment: The RPS24 c.734C>T variant is predicted to result in the amino acid substitution p.Pro245Leu. To our knowledge, this variant has not been reported in the literature or in a large population database, indicating this variant is rare. At this time, the clinical significance of this variant is uncertain due to the absence of conclusive functional and genetic evidence.